The following is an entry in ClinVar:

ClinVar aggregate classification (germline): Conflicting classifications of pathogenicity. Review status: criteria provided, conflicting classifications (1 of 4 stars). 2 submissions from 2 submitters: Uncertain significance (1); Likely benign (1). Last evaluated 2023-03-23.

Conditions:
Hereditary breast ovarian cancer syndrome. Also called: BRCA1- and BRCA2-Associated Hereditary Breast and Ovarian Cancer; Hereditary breast and ovarian cancer; Hereditary breast and ovarian cancer syndrome; Breast and ovarian cancer; Hereditary breast and/or ovarian cancer syndrome; Hereditary breast and ovarian cancer syndrome (HBOC). Identifiers: Orphanet 145, MedGen C0677776, MeSH D061325, MONDO:0003582. Disease mechanism: loss of function.
Hereditary cancer-predisposing syndrome. Also called: Tumor predisposition; Hereditary neoplastic syndrome; Neoplastic Syndromes, Hereditary; Hereditary Cancer Syndrome. Identifiers: Orphanet 140162, MedGen C0027672, MeSH D009386, MONDO:0015356.

Submissions (2):

University of Washington Department of Laboratory Medicine, University of Washington
Classification: Likely benign for Hereditary cancer-predisposing syndrome. Last evaluated: 2023-03-23. Review status: criteria provided, single submitter. Criteria: Dines et al. (Genet Med. 2020). Collection method: curation. Allele origin: germline.
Comment: Missense variant in a coldspot region where missense variants are very unlikely to be pathogenic (PMID:31911673).

BRCA2 exon 11 coldspot. Reclassification based on statistical prior probability.

Labcorp Genetics (formerly Invitae), Labcorp
Classification: Uncertain significance for Hereditary breast ovarian cancer syndrome. Last evaluated: 2020-10-30. Review status: criteria provided, single submitter. Criteria: Invitae Variant Classification Sherloc (09022015). Collection method: clinical testing. Allele origin: germline.
Comment: In summary, the available evidence is currently insufficient to determine the role of this variant in disease. Therefore, it has been classified as a Variant of Uncertain Significance. Advanced modeling of protein sequence and biophysical properties (such as structural, functional, and spatial information, amino acid conservation, physicochemical variation, residue mobility, and thermodynamic stability) performed at Invitae indicates that this missense variant is not expected to disrupt BRCA2 protein function. This variant has not been reported in the literature in individuals with BRCA2-related conditions. This variant is not present in population databases (ExAC no frequency). This sequence change replaces proline with leucine at codon 999 of the BRCA2 protein (p.Pro999Leu). The proline residue is weakly conserved and there is a moderate physicochemical difference between proline and leucine.

NM_000059.4(BRCA2):c.2996C>T (p.Pro999Leu)

Gene: BRCA2 (BRCA2 DNA repair associated; plus strand). Cytogenetic location: 13q13.1.
Variant type: single nucleotide variant.
Coding change: c.2996C>T on transcript NM_000059.4 (MANE Select); coding-DNA position 2996, C replaced by T.
Protein change: p.Pro999Leu; replaces proline 999 with leucine.
Molecular consequence: missense variant.
Genome position (GRCh38, 1-based): chr13:32,337,351, C>T. VCF-style: chr13-32337351-C-T. GRCh37 (hg19) VCF-style: chr13-32911488-C-T.
Other names: short protein forms P999L.
Identifiers: ClinVar variation 1007420 (VCV001007420.10), dbSNP rs2072470050, ClinGen allele CA387774645.
Genomic context (GRCh38, chr13:32,337,351, plus strand): 5'-TAGATAAAATACCAGAAAAAAATAATGATTACATGAACAAATGGGCAGGACTCTTAGGTC[C>T]AATTTCAAATCACAGTTTTGGAGGTAGCTTCAGAACAGCTTCAAATAAGGAAATCAAGCT-3'
Protein context (NP_000050.3, residues 989-1009): YMNKWAGLLG[Pro999Leu]ISNHSFGGSF